The following is an entry in ClinVar:

NM_005045.4(RELN):c.8950+12G>A

Genes: RELN (reelin; minus strand), SLC26A5-AS1 (SLC26A5 antisense RNA 1; plus strand). Cytogenetic location: 7q22.1.
Variant type: single nucleotide variant.
Coding change: c.8950+12G>A on transcript NM_005045.4 (MANE Select); 12 bases into the intron after coding-DNA position 8950, G replaced by A.
Molecular consequence: intron variant.
Genome position (GRCh38, 1-based): chr7:103,497,808, C>T on the plus strand (G>A on the coding strand, the complement: RELN is on the minus strand). VCF-style: chr7-103497808-C-T. GRCh37 (hg19) VCF-style: chr7-103138255-C-T.
Other names: c.8950+12G>A (NM_173054.3).
Identifiers: ClinVar variation 2941407 (VCV002941407.3), dbSNP rs2484702322, ClinGen allele CA2740097457.

ClinVar aggregate classification (germline): Uncertain significance (1 of 4 stars; one submission).

Conditions:
Norman-Roberts syndrome (LIS2). Also called: Lissencephaly 2 (Norman-Roberts type). Identifiers: Orphanet 89844, MedGen C0796089, MONDO:0009760, OMIM 257320.
Familial temporal lobe epilepsy 7. Identifiers: Orphanet 101046, MedGen C4225327, MONDO:0014639, OMIM 616436.

Submission:

Labcorp Genetics (formerly Invitae), Labcorp
Classification: Uncertain significance for Familial temporal lobe epilepsy 7; Norman-Roberts syndrome. Last evaluated: 2023-07-17. Review status: criteria provided, single submitter. Criteria: Invitae Variant Classification Sherloc (09022015). Collection method: clinical testing. Allele origin: germline.
Comment: In summary, the available evidence is currently insufficient to determine the role of this variant in disease. Therefore, it has been classified as a Variant of Uncertain Significance. Algorithms developed to predict the effect of sequence changes on RNA splicing suggest that this variant may disrupt the consensus splice site. This variant has not been reported in the literature in individuals affected with RELN-related conditions. This variant is not present in population databases (gnomAD no frequency). This sequence change falls in intron 55 of the RELN gene. It does not directly change the encoded amino acid sequence of the RELN protein.